The following is an entry in ClinVar:

NM_003200.5(TCF3):c.80C>T (p.Pro27Leu)

Gene: TCF3 (transcription factor 3; minus strand). Cytogenetic location: 19p13.3.
Variant type: single nucleotide variant.
Coding change: c.80C>T on transcript NM_003200.5 (MANE Select); coding-DNA position 80, C replaced by T.
Protein change: p.Pro27Leu; replaces proline 27 with leucine.
Molecular consequence: missense variant.
Genome position (GRCh38, 1-based): chr19:1,646,420, G>A on the plus strand (C>T on the coding strand, the complement: TCF3 is on the minus strand). VCF-style: chr19-1646420-G-A. GRCh37 (hg19) VCF-style: chr19-1646419-G-A.
Other names: c.80C>T, p.Pro27Leu (NM_001136139.4, NM_001351778.2, NM_001351779.2); short protein forms P27L.
Identifiers: ClinVar variation 2144307 (VCV002144307.5), dbSNP rs747413868, ClinGen allele CA9050586.

ClinVar aggregate classification (germline): Uncertain significance. Review status: criteria provided, multiple submitters, no conflicts (2 of 4 stars). 2 submissions from 2 submitters: Uncertain significance (2). Last evaluated 2026-02-02.

Allele frequency attached by ClinVar (database versions not stated): ExAC 0.00006.
gnomAD v4.1: 49 of 1,550,066 alleles (0.0032%); highest among the groups gnomAD compares: Admixed American, 0.0059%; no homozygotes.

Submissions (2):

Labcorp Genetics (formerly Invitae), Labcorp
Classification: Uncertain significance. Last evaluated: 2026-02-02. Review status: criteria provided, single submitter. Criteria: Invitae Variant Classification Sherloc (09022015). Collection method: clinical testing. Allele origin: germline.
Comment: This sequence change replaces proline, which is neutral and non-polar, with leucine, which is neutral and non-polar, at codon 27 of the TCF3 protein (p.Pro27Leu). This variant is present in population databases (rs747413868, gnomAD 0.008%). This variant has not been reported in the literature in individuals affected with TCF3-related conditions. ClinVar contains an entry for this variant (Variation ID: 2144307). Invitae Evidence Modeling of protein sequence and biophysical properties (such as structural, functional, and spatial information, amino acid conservation, physicochemical variation, residue mobility, and thermodynamic stability) indicates that this missense variant is not expected to disrupt TCF3 protein function with a negative predictive value of 80%. In summary, the available evidence is currently insufficient to determine the role of this variant in disease. Therefore, it has been classified as a Variant of Uncertain Significance.

Blueprint Genetics
Classification: Uncertain significance. Last evaluated: 2024-05-06. Review status: criteria provided, single submitter. Criteria: ACMG Guidelines, 2015. Collection method: clinical testing. Allele origin: germline.